The following is an entry in ClinVar:

ClinVar aggregate classification (germline): Pathogenic/Likely pathogenic. Review status: criteria provided, multiple submitters, no conflicts (2 of 4 stars). 6 submissions from 6 submitters: Pathogenic (4); Likely pathogenic (1). 1 of the submissions does not count toward it. Last evaluated 2024-08-13.

Conditions:
Propionic acidemia (PROP). Also called: GLYCINEMIA, KETOTIC; HYPERGLYCINEMIA WITH KETOACIDOSIS AND LEUKOPENIA; KETOTIC HYPERGLYCINEMIA. Identifiers: Orphanet 35, MedGen C0268579, MONDO:0011628, OMIM 606054, HP:0003571.

Allele frequency attached by ClinVar (database versions not stated): gnomAD exomes below 0.00001 and 0.00001.
gnomAD v4.1: 5 of 1,560,808 alleles (0.00032%); highest among the groups gnomAD compares: South Asian, 0.0012%; no homozygotes.

Submissions (6):

Women's Health and Genetics/Laboratory Corporation of America, LabCorp
Classification: Pathogenic for Propionic acidemia. Last evaluated: 2024-08-13. Review status: criteria provided, single submitter. Criteria: LabCorp Variant Classification Summary - May 2015. Collection method: clinical testing. Allele origin: germline.
Comment: Variant summary: PCCB c.494G>A (p.Arg165Gln) results in a conservative amino acid change located in the Acetyl-coenzyme A carboxyltransferase, N-terminal domain (IPR011762) of the encoded protein sequence. Four of five in-silico tools predict a damaging effect of the variant on protein function. The variant allele was found at a frequency of 5.9e-06 in 169706 control chromosomes (gnomAD). c.494G>A has been reported in the literature in individuals affected with Propionic Acidemia (e.g. Muro_2001, Perez-Cerda_2003). These data indicate that the variant is likely to be associated with disease. A different variant affecting the same codon has been classified as pathogenic by our lab (c.493C>T, p.Arg165Trp), supporting the critical relevance of codon 165 to PCCB protein function. At least one publication reports experimental evidence evaluating an impact on enzymatic function, finding that the variant results in <1% of wild type PCC activity (Perez-Cerda_2003). The following publications have been ascertained in the context of this evaluation (PMID: 11749052, 12559849). ClinVar contains an entry for this variant (Variation ID: 551146). Based on the evidence outlined above, the variant was classified as pathogenic.

Natera, Inc.
Classification: Likely pathogenic for Propionic acidemia. Last evaluated: 2024-02-26. Review status: criteria provided, single submitter. Criteria: Natera Variant Classification Schema (03/2026). Collection method: clinical testing. Allele origin: germline.
Comment: The c.494G>A variant in PCCB is a missense variant predicted to cause substitution of arginine to glutamine at amino acid 165. This variant is rare in the general population with a frequency below the threshold expected for the associated phenotype(s). This variant has been observed in one or more individuals affected with the associated recessive disease, as either homozygous or compound heterozygous with a second variant (PMID: 31319225, 31951825, 12559849). Functional studies show that this variant may disrupt protein function (PMID: 12757933). A different variant at the same position has been determined to be Pathogenic or Likely Pathogenic. Computational prediction algorithms indicate this variant is likely to affect gene or protein function. Given the available evidence, this variant is classified as Likely Pathogenic.

Labcorp Genetics (formerly Invitae), Labcorp
Classification: Pathogenic for Propionic acidemia. Last evaluated: 2023-12-15. Review status: criteria provided, single submitter. Criteria: Invitae Variant Classification Sherloc (09022015). Collection method: clinical testing. Allele origin: germline.
Comment: This sequence change replaces arginine, which is basic and polar, with glutamine, which is neutral and polar, at codon 165 of the PCCB protein (p.Arg165Gln). The frequency data for this variant in the population databases is considered unreliable, as metrics indicate poor data quality at this position in the gnomAD database. This missense change has been observed in individuals with propionic acidemia (PMID: 11749052, 12757933). ClinVar contains an entry for this variant (Variation ID: 551146). Advanced modeling of protein sequence and biophysical properties (such as structural, functional, and spatial information, amino acid conservation, physicochemical variation, residue mobility, and thermodynamic stability) performed at Invitae indicates that this missense variant is expected to disrupt PCCB protein function with a positive predictive value of 95%. Experimental studies have shown that this missense change affects PCCB function (PMID: 12757933). This variant disrupts the p.Arg165 amino acid residue in PCCB. Other variant(s) that disrupt this residue have been observed in individuals with PCCB-related conditions (PMID: 8295402, 11749052, 12757933, 15949719, 20549364), which suggests that this may be a clinically significant amino acid residue. For these reasons, this variant has been classified as Pathogenic.

Baylor Genetics
Classification: Pathogenic for Propionic acidemia. Last evaluated: 2022-04-13. Review status: criteria provided, single submitter. Criteria: ACMG Guidelines, 2015. Collection method: clinical testing. Allele origin: unknown.

Lifecell International Pvt. Ltd
Classification: Pathogenic for Propionic acidemia. Review status: criteria provided, single submitter. Criteria: ACMG Guidelines, 2015. Collection method: clinical testing. Allele origin: germline. Inheritance: Autosomal recessive inheritance. Affected: yes. Observed: 1 homozygote.
Comment: A Homozygote Missense variant c.494G>A in Exon 5 of the PCCB gene that results in the amino acid substitution p.Arg165Gln was identified. The observed variant has a maximum allele frequency of 0.00001/0.00 % in gnomAD exomes and genomes, respectively. The severity of the impact of this variant on the protein is high, based on the effect of the protein and REVEL score . Rare Exome Variant Ensemble Learner (REVEL) is an ensembl method for predicting the pathogenicity of missense variants based on a combination of scores from 13 individual tools: MutPred, FATHMM v2.3, VEST 3.0, PolyPhen-2, SIFT, PROVEAN, MutationAssessor, MutationTaster, LRT, GERP++, SiPhy, phyloP, and phastCons. The REVEL score for an individual missense variant can range from 0 to 1, with higher scores reflecting greater likelihood that the variant is disease-causing. ClinVar has also classified this variant as Pathogenic/LikelyPathogenic (ClinVar ID: 551146). This variant has previously been reported for Propionic acidemia by Stanescu S et al., 2021. Furthermore, functional studies demonstrate that this variant has a damaging effect on the gene or gene product (Pérez-Cerdá C et al., 2003). Based on the above evidence this variant has been classified as Pathogenic according to the ACMG guidelines.

Counsyl
Classification: Likely pathogenic for Propionic acidemia. Last evaluated: 2017-03-17. Review status: no assertion criteria provided. Collection method: clinical testing. Allele origin: unknown. Not counted in ClinVar's aggregate classification.

Literature cited by the submitters: PubMed 12559849 (cited by Women's Health and Genetics/Laboratory Corporation of America, LabCorp and Natera, Inc.); PubMed 11749052 (cited by Women's Health and Genetics/Laboratory Corporation of America, LabCorp and Labcorp Genetics (formerly Invitae), Labcorp); PubMed 31319225 (cited by Natera, Inc.); PubMed 31951825 (cited by Natera, Inc.); PubMed 12757933 (cited by 4 submitters); PubMed 8295402 (cited by Labcorp Genetics (formerly Invitae), Labcorp); PubMed 15949719 (cited by Labcorp Genetics (formerly Invitae), Labcorp and Counsyl); PubMed 20549364 (cited by Labcorp Genetics (formerly Invitae), Labcorp).

NM_000532.5(PCCB):c.494G>A (p.Arg165Gln)

Gene: PCCB (propionyl-CoA carboxylase subunit beta; plus strand). Cytogenetic location: 3q22.3.
Variant type: single nucleotide variant.
Coding change: c.494G>A on transcript NM_000532.5 (MANE Select); coding-DNA position 494, G replaced by A.
Protein change: p.Arg165Gln; replaces arginine 165 with glutamine.
Molecular consequence: missense variant.
Genome position (GRCh38, 1-based): chr3:136,262,016, G>A. VCF-style: chr3-136262016-G-A. GRCh37 (hg19) VCF-style: chr3-135980858-G-A.
Other names: c.554G>A, p.Arg185Gln (NM_001178014.2); short protein forms R165Q, R185Q.
Identifiers: ClinVar variation 551146 (VCV000551146.14), dbSNP rs1304714042, ClinGen allele CA354739684.